The following is an entry in ClinVar:

NM_000807.4(GABRA2):c.1206C>G (p.Asn402Lys)

Gene: GABRA2 (gamma-aminobutyric acid type A receptor subunit alpha2; minus strand). Cytogenetic location: 4p12.
Variant type: single nucleotide variant.
Coding change: c.1206C>G on transcript NM_000807.4 (MANE Select); coding-DNA position 1206, C replaced by G.
Protein change: p.Asn402Lys; replaces asparagine 402 with lysine.
Molecular consequence: missense variant.
Genome position (GRCh38, 1-based): chr4:46,250,458, G>C on the plus strand (C>G on the coding strand, the complement: GABRA2 is on the minus strand). VCF-style: chr4-46250458-G-C. GRCh37 (hg19) VCF-style: chr4-46252475-G-C.
Other names: c.1206C>G, p.Asn402Lys (NM_001377151.1, NM_001377150.1, NM_001377146.1 and 4 more transcripts); c.1041C>G, p.Asn347Lys (NM_001377152.1, NM_001377153.1, NM_001377154.1); c.1221C>G, p.Asn407Lys (NM_001286827.3); c.1386C>G, p.Asn462Lys (NM_001330690.2, NM_001377144.1, NM_001377145.1); short protein forms N462K, N347K, N402K, N407K.
Identifiers: ClinVar variation 3008936 (VCV003008936.3), dbSNP rs749211070, ClinGen allele CA2906545.

ClinVar aggregate classification (germline): Uncertain significance (1 of 4 stars; one submission).

Allele frequency attached by ClinVar (database versions not stated): gnomAD exomes below 0.00001; ExAC 0.00001; TOPMed 0.00002.
gnomAD v4.1: 5 of 1,612,142 alleles (0.00031%); highest among the groups gnomAD compares: South Asian, 0.0033%; no homozygotes.

Submission:

Labcorp Genetics (formerly Invitae), Labcorp
Classification: Uncertain significance. Last evaluated: 2024-05-21. Review status: criteria provided, single submitter. Criteria: Invitae Variant Classification Sherloc (09022015). Collection method: clinical testing. Allele origin: germline.
Comment: This sequence change replaces asparagine, which is neutral and polar, with lysine, which is basic and polar, at codon 462 of the GABRA2 protein (p.Asn462Lys). This variant is present in population databases (rs749211070, gnomAD 0.003%). This variant has not been reported in the literature in individuals affected with GABRA2-related conditions. Experimental studies and prediction algorithms are not available or were not evaluated, and the functional significance of this variant is currently unknown. In summary, the available evidence is currently insufficient to determine the role of this variant in disease. Therefore, it has been classified as a Variant of Uncertain Significance.